The following is an entry in ClinVar:

ClinVar aggregate classification (germline): Uncertain significance. Review status: criteria provided, multiple submitters, no conflicts (2 of 4 stars). 2 submissions from 2 submitters: Uncertain significance (2). Last evaluated 2022-11-11.

Submissions (2):

Labcorp Genetics (formerly Invitae), Labcorp
Classification: Uncertain significance. Last evaluated: 2022-11-11. Review status: criteria provided, single submitter. Criteria: Invitae Variant Classification Sherloc (09022015). Collection method: clinical testing. Allele origin: germline.
Comment: This variant is present in population databases (rs755908415, gnomAD 0.002%). In summary, the available evidence is currently insufficient to determine the role of this variant in disease. Therefore, it has been classified as a Variant of Uncertain Significance. Experimental studies and prediction algorithms are not available or were not evaluated, and the functional significance of this variant is currently unknown. This variant has not been reported in the literature in individuals affected with PDE6B-related conditions. This variant, c.2470_2472del, results in the deletion of 1amino acid of the PDE6B protein (p.Lys824del), but otherwise preserves the integrity of the reading frame.

Blueprint Genetics
Classification: Uncertain significance. Last evaluated: 2021-02-12. Review status: criteria provided, single submitter. Criteria: ACMG Guidelines, 2015. Collection method: clinical testing. Allele origin: germline.

NM_000283.4(PDE6B):c.2470_2472del (p.Lys824del)

Gene: PDE6B (phosphodiesterase 6B; plus strand). Cytogenetic location: 4p16.3.
Variant type: Deletion.
Coding change: c.2470_2472del on transcript NM_000283.4 (MANE Select); coding-DNA positions 2470 to 2472, 3 bases deleted (AAG; older notation c.2470_2472delAAG).
Protein change: p.Lys824del; deletes lysine 824.
Molecular consequence: inframe deletion. On other transcripts: intron variant (2).
Genome position (GRCh38, 1-based): chr4:667,973-667,975, AAG deleted; deleting any 3 consecutive bases within chr4:667,971-667,975 gives the same sequence; the c. name uses the placement nearest the transcript's 3' end. VCF-style (leftmost placement, unchanged base first): chr4-667970-GAGA-G. GRCh37 (hg19) VCF-style: chr4-661759-GAGA-G.
Other names: c.2470_2472del, p.Lys824del (NM_001145291.2); c.1633_1635del, p.Lys545del (NM_001145292.2, NM_001379246.1, NM_001379247.1); c.1601+32_1601+34del (NM_001350154.3); c.1283+32_1283+34del (NM_001350155.3); short protein forms K545del, K824del.
Identifiers: ClinVar variation 2714921 (VCV002714921.4), dbSNP rs755908415, ClinGen allele CA2795067.